The following is an entry in ClinVar:

ClinVar aggregate classification (germline): Uncertain significance (1 of 4 stars; one submission).

Submission:

Labcorp Genetics (formerly Invitae), Labcorp
Classification: Uncertain significance. Last evaluated: 2024-05-18. Review status: criteria provided, single submitter. Criteria: Invitae Variant Classification Sherloc (09022015). Collection method: clinical testing. Allele origin: germline.
Comment: This sequence change replaces asparagine, which is neutral and polar, with aspartic acid, which is acidic and polar, at codon 841 of the POLE protein (p.Asn841Asp). This variant is not present in population databases (gnomAD no frequency). This variant has not been reported in the literature in individuals affected with POLE-related conditions. Advanced modeling of protein sequence and biophysical properties (such as structural, functional, and spatial information, amino acid conservation, physicochemical variation, residue mobility, and thermodynamic stability) performed at Invitae indicates that this missense variant is not expected to disrupt POLE protein function with a negative predictive value of 80%. In summary, the available evidence is currently insufficient to determine the role of this variant in disease. Therefore, it has been classified as a Variant of Uncertain Significance.

NM_006231.4(POLE):c.2521A>G (p.Asn841Asp)

Gene: POLE (DNA polymerase epsilon, catalytic subunit; minus strand). Cytogenetic location: 12q24.33.
Variant type: single nucleotide variant.
Coding change: c.2521A>G on transcript NM_006231.4 (MANE Select); coding-DNA position 2521, A replaced by G.
Protein change: p.Asn841Asp; replaces asparagine 841 with aspartic acid.
Molecular consequence: missense variant.
Genome position (GRCh38, 1-based): chr12:132,664,410, T>C on the plus strand (A>G on the coding strand, the complement: POLE is on the minus strand). VCF-style: chr12-132664410-T-C. GRCh37 (hg19) VCF-style: chr12-133240996-T-C.
Other names: short protein forms N841D.
Identifiers: ClinVar variation 3675800 (VCV003675800.2).